The following is an entry in ClinVar:

ClinVar aggregate classification (germline): Uncertain significance. Review status: criteria provided, multiple submitters, no conflicts (2 of 4 stars). 2 submissions from 2 submitters: Uncertain significance (2). Last evaluated 2025-07-22.

Conditions:
Hereditary cancer-predisposing syndrome. Also called: Hereditary neoplastic syndrome; Tumor predisposition; Neoplastic Syndromes, Hereditary; Hereditary Cancer Syndrome. Identifiers: Orphanet 140162, MedGen C0027672, MeSH D009386, MONDO:0015356.
Peutz-Jeghers syndrome (PJS). Also called: POLYPOSIS, HAMARTOMATOUS INTESTINAL; POLYPS-AND-SPOTS SYNDROME; Peutz-Jeghers polyposis; Periorificial lentiginosis syndrome. Identifiers: Orphanet 2869, MedGen C0031269, MeSH D010580, MONDO:0008280, OMIM 175200.

gnomAD v4.1: 1 of 1,607,016 alleles (0.000062%); highest among the groups gnomAD compares: Non-Finnish European, 0.000085%; no homozygotes.

Submissions (2):

Labcorp Genetics (formerly Invitae), Labcorp
Classification: Uncertain significance for Peutz-Jeghers syndrome. Last evaluated: 2025-07-22. Review status: criteria provided, single submitter. Criteria: Invitae Variant Classification Sherloc (09022015). Collection method: clinical testing. Allele origin: germline.
Comment: This sequence change replaces glutamic acid, which is acidic and polar, with aspartic acid, which is acidic and polar, at codon 14 of the STK11 protein (p.Glu14Asp). This variant is not present in population databases (gnomAD no frequency). This variant has not been reported in the literature in individuals affected with STK11-related conditions. ClinVar contains an entry for this variant (Variation ID: 2451997). Invitae Evidence Modeling of protein sequence and biophysical properties (such as structural, functional, and spatial information, amino acid conservation, physicochemical variation, residue mobility, and thermodynamic stability) indicates that this missense variant is not expected to disrupt STK11 protein function with a negative predictive value of 95%. In summary, the available evidence is currently insufficient to determine the role of this variant in disease. Therefore, it has been classified as a Variant of Uncertain Significance.

Ambry Genetics
Classification: Uncertain significance for Hereditary cancer-predisposing syndrome. Last evaluated: 2022-12-23. Review status: criteria provided, single submitter. Criteria: Ambry Variant Classification Scheme 2023. Collection method: clinical testing. Allele origin: germline.
Comment: The p.E14D variant (also known as c.42G>T), located in coding exon 1 of the STK11 gene, results from a G to T substitution at nucleotide position 42. The glutamic acid at codon 14 is replaced by aspartic acid, an amino acid with highly similar properties. This amino acid position is conserved. In addition, this alteration is predicted to be tolerated by in silico analysis. Since supporting evidence is limited at this time, the clinical significance of this alteration remains unclear.

NM_000455.5(STK11):c.42G>T (p.Glu14Asp)

Gene: STK11 (serine/threonine kinase 11; plus strand). Cytogenetic location: 19p13.3.
Variant type: single nucleotide variant.
Coding change: c.42G>T on transcript NM_000455.5 (MANE Select); coding-DNA position 42, G replaced by T.
Protein change: p.Glu14Asp; replaces glutamic acid 14 with aspartic acid.
Molecular consequence: missense variant. On other transcripts: non-coding transcript variant (1).
Genome position (GRCh38, 1-based): chr19:1,206,955, G>T. VCF-style: chr19-1206955-G-T. GRCh37 (hg19) VCF-style: chr19-1206954-G-T.
Other names: c.42G>T, p.Glu14Asp (NM_001407255.1); short protein forms E14D.
Identifiers: ClinVar variation 2451997 (VCV002451997.3), dbSNP rs758769888, ClinGen allele CA402943205.